The following is an entry in ClinVar:

NM_206933.4(USH2A):c.5168-9T>G

Genes: USH2A (usherin; minus strand), USH2A-AS2 (USH2A antisense RNA 2; plus strand). Cytogenetic location: 1q41.
Variant type: single nucleotide variant.
Coding change: c.5168-9T>G on transcript NM_206933.4 (MANE Select); 9 bases into the intron before coding-DNA position 5168, T replaced by G.
Molecular consequence: intron variant.
Genome position (GRCh38, 1-based): chr1:216,083,595, A>C on the plus strand (T>G on the coding strand, the complement: USH2A is on the minus strand). VCF-style: chr1-216083595-A-C. GRCh37 (hg19) VCF-style: chr1-216256937-A-C.
Identifiers: ClinVar variation 2851470 (VCV002851470.3), dbSNP rs2527805495, ClinGen allele CA2739275633.

ClinVar aggregate classification (germline): Uncertain significance (1 of 4 stars; one submission).

Submission:

Labcorp Genetics (formerly Invitae), Labcorp
Classification: Uncertain significance. Last evaluated: 2023-04-01. Review status: criteria provided, single submitter. Criteria: Invitae Variant Classification Sherloc (09022015). Collection method: clinical testing. Allele origin: germline.
Comment: This variant has not been reported in the literature in individuals affected with USH2A-related conditions. This sequence change falls in intron 25 of the USH2A gene. It does not directly change the encoded amino acid sequence of the USH2A protein. This variant is not present in population databases (gnomAD no frequency). Algorithms developed to predict the effect of sequence changes on RNA splicing suggest that this variant may disrupt the consensus splice site. In summary, the available evidence is currently insufficient to determine the role of this variant in disease. Therefore, it has been classified as a Variant of Uncertain Significance.